The following is an entry in ClinVar:

NM_000384.3(APOB):c.7619G>T (p.Gly2540Val)

Gene: APOB (apolipoprotein B; minus strand). Cytogenetic location: 2p24.1.
Variant type: single nucleotide variant.
Coding change: c.7619G>T on transcript NM_000384.3 (MANE Select); coding-DNA position 7619, G replaced by T.
Protein change: p.Gly2540Val; replaces glycine 2540 with valine.
Molecular consequence: missense variant.
Genome position (GRCh38, 1-based): chr2:21,009,249, C>A on the plus strand (G>T on the coding strand, the complement: APOB is on the minus strand). VCF-style: chr2-21009249-C-A. GRCh37 (hg19) VCF-style: chr2-21232121-C-A.
Other names: short protein forms G2540V.
Identifiers: ClinVar variation 477818 (VCV000477818.52), dbSNP rs571626569, ClinGen allele CA064602.
Genomic context (GRCh38, chr2:21,009,249, plus strand): 5'-TTCTTAGCAGCAAGAGTCCACCAATCAGAAATGTAGGTGACAAGTGTGCTATAAACCTGG[C>A]CTACCAGAGACAGGTATCGTTGAAGTTCCTGCTGAATGTCCATTTGATACATTCGGTCTC-3'
Protein context (NP_000375.3, residues 2530-2550): QELQRYLSLV[Gly2540Val]QVYSTLVTYI

ClinVar aggregate classification (germline): Conflicting classifications of pathogenicity. Review status: criteria provided, conflicting classifications (1 of 4 stars). 11 submissions from 10 submitters: Uncertain significance (2); Benign (5); Likely benign (4). Last evaluated 2026-08-04.

Conditions:
Cardiovascular phenotype. Identifiers: MedGen CN230736.
Hypercholesterolemia, autosomal dominant, type B (FHCL2). Also called: APOB-Related Familial Hypercholesterolemia, Autosomal Dominant; Familial Hypercholesterolemia Type B; Familial hypercholesterolemia 2; Hyperlipoproteinemia Type IIb; APOLIPOPROTEIN B-100, FAMILIAL DEFECTIVE; APOLIPOPROTEIN B-100, FAMILIAL LIGAND-DEFECTIVE. Identifiers: MedGen C1704417, MONDO:0007751, OMIM 144010.
Familial hypobetalipoproteinemia 1. Also called: APOB-Related Familial Hypobetalipoproteinemia; Hypobetalipoproteinemia, normotriglyceridemic; Acanthocytosis with hypobetalipoproteinemia. Identifiers: MedGen C4551990, MONDO:0014252, OMIM 615558.
Familial hypercholesterolemia. Also called: Familial hypercholesterolaemia; Familial hypercholesterolemias. Identifiers: MedGen C0020445, MONDO:0005439.

Allele frequency attached by ClinVar (database versions not stated): gnomAD below 0.00001 and 0.00029; ExAC 0.00138; 1000 Genomes Project 30x 0.00156; 1000 Genomes Project 0.00180.
gnomAD v4.1: 804 of 1,614,072 alleles (0.05%); highest among the groups gnomAD compares: South Asian, 0.83%; 12 homozygotes.

Submissions (12):

Cambridge Genomics Laboratory, East Genomic Laboratory Hub, NHS Genomic Medicine Service
Classification: Benign for Familial hypercholesterolaemia. Last evaluated: 2026-08-04. Review status: criteria provided, single submitter. Criteria: ACGS Best Practice Guidelines for Variant Classification in Rare Disease 2020. Collection method: clinical testing. Allele origin: germline. Affected: yes.

Women's Health and Genetics/Laboratory Corporation of America, LabCorp
Classification: Likely benign. Last evaluated: 2026-03-02. Review status: criteria provided, single submitter. Criteria: LabCorp Variant Classification Summary - May 2015. Collection method: clinical testing. Allele origin: germline.
Comment: Variant summary: APOB c.7619G>T (p.Gly2540Val) results in a non-conservative amino acid change in the encoded protein sequence. Algorithms developed to predict the effect of missense changes on protein structure and function are either unavailable or do not agree on the potential impact of this missense change. The variant allele was found at a frequency of 0.0011 in 251134 control chromosomes, predominantly at a frequency of 0.0086 within the South Asian subpopulation in the gnomAD database, including 6 homozygotes. The observed variant frequency within South Asian control individuals in the gnomAD database exceeds the estimated maximal expected allele frequency for disease-causing variants in APOB. To our knowledge, no occurrence of c.7619G>T in individuals affected with APOB-related conditions and no experimental evidence demonstrating its impact on protein function have been reported. ClinVar contains an entry for this variant (Variation ID: 477818). Based on the evidence outlined above, the variant was classified as likely benign.

Labcorp Genetics (formerly Invitae), Labcorp
Classification: Benign for Familial hypobetalipoproteinemia 1; Hypercholesterolemia, autosomal dominant, type B. Last evaluated: 2026-01-13. Review status: criteria provided, single submitter. Criteria: Invitae Variant Classification Sherloc (09022015). Collection method: clinical testing. Allele origin: germline.

Blueprint Genetics
Classification: Likely benign. Last evaluated: 2024-10-10. Review status: criteria provided, single submitter. Criteria: ACMG Guidelines, 2015. Collection method: clinical testing. Allele origin: germline.

GENinCode PLC
Classification: Benign for Familial hypercholesterolemia. Last evaluated: 2024-03-15. Review status: criteria provided, single submitter. Criteria: ACMG Guidelines, 2015. Collection method: clinical testing. Allele origin: germline.

Quest Diagnostics Nichols Institute San Juan Capistrano
Classification: Benign. Last evaluated: 2023-04-25. Review status: criteria provided, single submitter. Criteria: Quest Diagnostics criteria. Collection method: clinical testing. Allele origin: unknown.

GeneDx
Classification: Uncertain significance. Last evaluated: 2022-06-20. Review status: criteria provided, single submitter. Criteria: GeneDx Variant Classification Process June 2021. Collection method: clinical testing. Allele origin: germline. Affected: yes.
Comment: In silico analysis supports that this missense variant has a deleterious effect on protein structure/function; Reported in a patient with familial hypercholesterolemia, however, this variant was also observed in controls at a similar frequency (Al-Khateeb et al., 2016); Identified in a patient with severe proliferative diabetic retinopathy in the published literature, although APOB was considered a candidate gene for the phenotype and additional clinical information was not included (Ung et al., 2017); Also known as p.G2513V; This variant is associated with the following publications: (PMID: 28431867, Al-Khateeb2016[CaseReport], 34875256, 32044282)

CeGaT Center for Human Genetics Tuebingen
Classification: Likely benign. Last evaluated: 2022-06-01. Review status: criteria provided, single submitter. Criteria: CeGaT Center For Human Genetics Tuebingen Variant Classification Criteria Version 2. Collection method: clinical testing. Allele origin: germline. Affected: yes. Observed: 1 variant allele.
Comment: APOB: BP4, BS1

Illumina Laboratory Services, Illumina
Classification: Likely benign for Hypercholesterolemia, autosomal dominant, type B. Last evaluated: 2018-01-12. Review status: criteria provided, single submitter. Criteria: ICSL Variant Classification Criteria 13 December 2019. Collection method: clinical testing. Allele origin: germline.
Comment: This variant was observed in the ICSL laboratory as part of a predisposition screen in an ostensibly healthy population. It had not been previously curated by ICSL or reported in the Human Gene Mutation Database (HGMD: prior to June 1st, 2018), and was therefore a candidate for classification through an automated scoring system. Utilizing variant allele frequency, disease prevalence and penetrance estimates, and inheritance mode, an automated score was calculated to assess if this variant is too frequent to cause the disease. Based on the score and internal cut-off values, a variant classified as likely benign is not then subjected to further curation. The score for this variant resulted in a classification of likely benign for this disease.

Illumina Laboratory Services, Illumina
Classification: Uncertain significance for Familial hypobetalipoproteinemia 1. Last evaluated: 2018-01-12. Review status: criteria provided, single submitter. Criteria: ICSL Variant Classification Criteria 13 December 2019. Collection method: clinical testing. Allele origin: germline.

Ambry Genetics
Classification: Benign for Cardiovascular phenotype. Last evaluated: 2017-06-09. Review status: criteria provided, single submitter. Criteria: Ambry Variant Classification Scheme 2023. Collection method: clinical testing. Allele origin: germline.

Dr. Peter K. Rogan Lab, Western University
No classification provided (evidence only). Condition: Malignant tumor of urinary bladder. Review status: no classification provided. Collection method: in vitro. Allele origin: not applicable. Functional consequence: retained intron. Not counted in ClinVar's aggregate classification.

Literature cited by the submitters: PubMed 36499307 (cited by Quest Diagnostics Nichols Institute San Juan Capistrano); PubMed 32044282 (cited by Quest Diagnostics Nichols Institute San Juan Capistrano); PubMed 34875256 (cited by Quest Diagnostics Nichols Institute San Juan Capistrano); PubMed 28431867 (cited by Quest Diagnostics Nichols Institute San Juan Capistrano).